The following is an entry in ClinVar:

ClinVar aggregate classification (germline): Likely pathogenic (1 of 4 stars; one submission).

Conditions:
Developmental delay, impaired speech, and behavioral abnormalities. Identifiers: MedGen C5561957, MONDO:0859178, OMIM 619475.

Submission:

Service of Pediatric Gastrohepatology and Metabolic Diseases, University of Medicine of Tirana
Classification: Likely pathogenic for Developmental delay, impaired speech, and behavioral abnormalities. Last evaluated: 2026-04-29. Review status: criteria provided, single submitter. Criteria: ACMG Guidelines, 2015. Collection method: clinical testing. Allele origin: germline. Inheritance: Autosomal dominant inheritance. Affected: yes. Observed: 1 variant allele.
Comment: SPTBN1 c.5956G>T was classified as Likely pathogenic using ACMG/AMP 2015 criteria (PMID:25741868). Evidence considered includes PM2 for rarity/absence in population databases when reviewed, PP3 for deleterious computational prediction, and PP4 for concordance with the submitted SPTBN1-related neurodevelopmental condition (OMIM:619475).

NM_003128.3(SPTBN1):c.5956G>T (p.Glu1986Ter)

Gene: SPTBN1 (spectrin beta, non-erythrocytic 1; plus strand). Cytogenetic location: 2p16.2.
Variant type: single nucleotide variant.
Coding change: c.5956G>T on transcript NM_003128.3 (MANE Select); coding-DNA position 5956, G replaced by T.
Protein change: p.Glu1986Ter; replaces glutamic acid 1986 with a stop codon.
Molecular consequence: nonsense.
Genome position (GRCh38, 1-based): chr2:54,655,203, G>T. VCF-style: chr2-54655203-G-T. GRCh37 (hg19) VCF-style: chr2-54882340-G-T.
Other names: c.5917G>T, p.Glu1973Ter (NM_178313.3); short protein forms E1973*, E1986*.
Identifiers: ClinVar variation 4849592 (VCV004849592.1).